The following is an entry in ClinVar:

ClinVar aggregate classification (germline): Uncertain significance (1 of 4 stars; one submission).

Conditions:
Brachyolmia-amelogenesis imperfecta syndrome. Also called: Tooth agenesis, selective, 6; Dental anomalies and short stature; PLATYSPONDYLY WITH AMELOGENESIS IMPERFECTA. Identifiers: Orphanet 2899, MedGen C1832594, MONDO:0011018, OMIM 601216. Disease mechanism: loss of function.

Submission:

Labcorp Genetics (formerly Invitae), Labcorp
Classification: Uncertain significance for Brachyolmia-amelogenesis imperfecta syndrome. Last evaluated: 2022-08-10. Review status: criteria provided, single submitter. Criteria: Invitae Variant Classification Sherloc (09022015). Collection method: clinical testing. Allele origin: germline.
Comment: In summary, the available evidence is currently insufficient to determine the role of this variant in disease. Therefore, it has been classified as a Variant of Uncertain Significance. This variant has not been reported in the literature in individuals affected with LTBP3-related conditions. This variant is not present in population databases (gnomAD no frequency). This variant, c.3482_3484dup, results in the insertion of 1 amino acid(s) of the LTBP3 protein (p.Asp1161_Cys1162insTyr), but otherwise preserves the integrity of the reading frame.

NM_001130144.3(LTBP3):c.3482_3484dup (p.Asp1161_Cys1162insTyr)

Gene: LTBP3 (latent transforming growth factor beta binding protein 3; minus strand). Cytogenetic location: 11q13.1.
Variant type: Duplication.
Coding change: c.3482_3484dup on transcript NM_001130144.3 (MANE Select); coding-DNA positions 3482 to 3484, 3 bases duplicated (ACT; older notation c.3482_3484dupACT).
Protein change: p.Asp1161_Cys1162insTyr.
Molecular consequence: inframe insertion.
Genome position (GRCh38, 1-based): chr11:65,539,783-65,539,785, AGT duplicated on the plus strand (ACT on the coding strand, the reverse complement: LTBP3 is on the minus strand). VCF-style (leftmost placement, unchanged base first): chr11-65539782-C-CAGT. GRCh37 (hg19) VCF-style: chr11-65307253-C-CAGT.
Other names: c.2990_2992dup, p.Asp997_Cys998insTyr (NM_001164266.1); c.3341_3343dup, p.Asp1114_Cys1115insTyr (NM_021070.4).
Identifiers: ClinVar variation 2022675 (VCV002022675.4), dbSNP rs2496116454, ClinGen allele CA2580084496.